The following is an entry in ClinVar:

ClinVar aggregate classification (germline): Uncertain significance (1 of 4 stars; one submission).

Conditions:
Hereditary cancer-predisposing syndrome. Also called: Tumor predisposition; Neoplastic Syndromes, Hereditary; Hereditary Cancer Syndrome; Hereditary neoplastic syndrome. Identifiers: Orphanet 140162, MedGen C0027672, MeSH D009386, MONDO:0015356.

Submission:

Ambry Genetics
Classification: Uncertain significance for Hereditary cancer-predisposing syndrome. Last evaluated: 2025-03-08. Review status: criteria provided, single submitter. Criteria: Ambry Variant Classification Scheme 2023. Collection method: clinical testing. Allele origin: germline.
Comment: The p.S462Y variant (also known as c.1385C>A), located in coding exon 10 of the NBN gene, results from a C to A substitution at nucleotide position 1385. The serine at codon 462 is replaced by tyrosine, an amino acid with dissimilar properties. This amino acid position is conserved. In addition, this alteration is predicted to be tolerated by in silico analysis. Based on the available evidence, the clinical significance of this variant remains unclear.

NM_002485.5(NBN):c.1385C>A (p.Ser462Tyr)

Gene: NBN (nibrin; minus strand). Cytogenetic location: 8q21.3.
Variant type: single nucleotide variant.
Coding change: c.1385C>A on transcript NM_002485.5 (MANE Select); coding-DNA position 1385, C replaced by A.
Protein change: p.Ser462Tyr; replaces serine 462 with tyrosine.
Molecular consequence: missense variant.
Genome position (GRCh38, 1-based): chr8:89,955,295, G>T on the plus strand (C>A on the coding strand, the complement: NBN is on the minus strand). VCF-style: chr8-89955295-G-T. GRCh37 (hg19) VCF-style: chr8-90967523-G-T.
Other names: c.1139C>A, p.Ser380Tyr (NM_001024688.3); short protein forms S380Y, S462Y.
Identifiers: ClinVar variation 3877889 (VCV003877889.1), dbSNP rs1563530730.